The following is an entry in ClinVar:

ClinVar aggregate classification (germline): Uncertain significance (1 of 4 stars; one submission).

Conditions:
Charcot-Marie-Tooth Neuropathy X. Identifiers: MedGen CN118851.

Submission:

Labcorp Genetics (formerly Invitae), Labcorp
Classification: Uncertain significance for Charcot-Marie-Tooth Neuropathy X. Last evaluated: 2021-01-19. Review status: criteria provided, single submitter. Criteria: Invitae Variant Classification Sherloc (09022015). Collection method: clinical testing. Allele origin: germline.
Comment: This sequence change replaces serine with cysteine at codon 72 of the GJB1 protein (p.Ser72Cys). The serine residue is highly conserved and there is a moderate physicochemical difference between serine and cysteine. This variant is not present in population databases (ExAC no frequency). This variant has not been reported in the literature in individuals with GJB1-related conditions. Algorithms developed to predict the effect of missense changes on protein structure and function are either unavailable or do not agree on the potential impact of this missense change (SIFT: "Deleterious"; PolyPhen-2: "Probably Damaging"; Align-GVGD: "Class C0"). In summary, the available evidence is currently insufficient to determine the role of this variant in disease. Therefore, it has been classified as a Variant of Uncertain Significance.

NM_000166.6(GJB1):c.215C>G (p.Ser72Cys)

Gene: GJB1 (gap junction protein beta 1; plus strand). Cytogenetic location: Xq13.1.
Variant type: single nucleotide variant.
Coding change: c.215C>G on transcript NM_000166.6 (MANE Select); coding-DNA position 215, C replaced by G.
Protein change: p.Ser72Cys; replaces serine 72 with cysteine.
Molecular consequence: missense variant.
Genome position (GRCh38, 1-based): chrX:71,223,922, C>G. VCF-style: chrX-71223922-C-G. GRCh37 (hg19) VCF-style: chrX-70443772-C-G.
Other names: c.215C>G, p.Ser72Cys (NM_001097642.3); short protein forms S72C.
Identifiers: ClinVar variation 1018748 (VCV001018748.8), dbSNP rs2092543301, ClinGen allele CA413501520.